The following is an entry in ClinVar:

ClinVar aggregate classification (germline): Likely benign. Review status: criteria provided, single submitter (1 of 4 stars). 2 submissions from 2 submitters: Likely benign (1). 1 of the submissions does not count toward it. Last evaluated 2021-12-07.

Conditions:
Inborn genetic diseases. Identifiers: MedGen C0950123, MeSH D030342.
TNRC6B-related disorder. Also called: TNRC6B-related condition.

Allele frequency attached by ClinVar (database versions not stated): ESP Exome Variant Server 0.00041; ExAC 0.00042; gnomAD 0.00054; gnomAD exomes 0.00064; TOPMed 0.00077.

Submissions (2):

Ambry Genetics
Classification: Likely benign for Inborn genetic diseases. Last evaluated: 2021-12-07. Review status: criteria provided, single submitter. Criteria: Ambry Variant Classification Scheme 2023. Collection method: clinical testing. Allele origin: germline.

PreventionGenetics, part of Exact Sciences
Classification: Likely benign for TNRC6B-related condition. Last evaluated: 2022-09-06. Review status: no assertion criteria provided. Collection method: clinical testing. Allele origin: germline. Not counted in ClinVar's aggregate classification.
Comment: This variant is classified as likely benign based on ACMG/AMP sequence variant interpretation guidelines (Richards et al. 2015 PMID: 25741868, with internal and published modifications).

NM_001162501.2(TNRC6B):c.2306T>C (p.Val769Ala)

Gene: TNRC6B (trinucleotide repeat containing adaptor 6B; plus strand). Cytogenetic location: 22q13.1.
Variant type: single nucleotide variant.
Coding change: c.2306T>C on transcript NM_001162501.2 (MANE Select); coding-DNA position 2306, T replaced by C.
Protein change: p.Val769Ala; replaces valine 769 with alanine.
Molecular consequence: missense variant. On other transcripts: intron variant (1).
Genome position (GRCh38, 1-based): chr22:40,266,536, T>C. VCF-style: chr22-40266536-T-C. GRCh37 (hg19) VCF-style: chr22-40662540-T-C.
Other names: c.2306T>C, p.Val769Ala (NM_015088.3); c.566-3586T>C (NM_001024843.2); short protein forms V769A.
Identifiers: ClinVar variation 2346925 (VCV002346925.4), dbSNP rs201052764, ClinGen allele CA10246815.